The following is an entry in ClinVar:

NM_006796.3(AFG3L2):c.2348G>A (p.Arg783Gln)

Genes: AFG3L2 (AFG3 like matrix AAA peptidase subunit 2; minus strand), TUBB6 (tubulin beta 6 class V; plus strand). Cytogenetic location: 18p11.21.
Variant type: single nucleotide variant.
Coding change: c.2348G>A on transcript NM_006796.3 (MANE Select); coding-DNA position 2348, G replaced by A.
Protein change: p.Arg783Gln; replaces arginine 783 with glutamine.
Molecular consequence: missense variant. On other transcripts: 3 prime UTR variant (1).
Genome position (GRCh38, 1-based): chr18:12,329,611, C>T on the plus strand (G>A on the coding strand, the complement: AFG3L2 is on the minus strand). VCF-style: chr18-12329611-C-T. GRCh37 (hg19) VCF-style: chr18-12329610-C-T.
Other names: p.R783Q:CGG>CAG; c.*428C>T (NM_001303525.2); short protein forms R783Q.
Identifiers: ClinVar variation 214058 (VCV000214058.4), dbSNP rs753450684, ClinGen allele CA323574.

ClinVar aggregate classification (germline): Uncertain significance. Review status: criteria provided, multiple submitters, no conflicts (2 of 4 stars). 2 submissions from 2 submitters: Uncertain significance (2). Last evaluated 2025-10-29.

Conditions:
Inborn genetic diseases. Identifiers: MedGen C0950123, MeSH D030342.

Allele frequency attached by ClinVar (database versions not stated): ExAC 0.00001; gnomAD exomes 0.00001 and 0.00002.
gnomAD v4.1: 12 of 1,614,142 alleles (0.00074%); highest among the groups gnomAD compares: Middle Eastern, 0.017%; no homozygotes.

Submissions (2):

Ambry Genetics
Classification: Uncertain significance for Inborn genetic diseases. Last evaluated: 2025-10-29. Review status: criteria provided, single submitter. Criteria: Ambry Variant Classification Scheme 2023. Collection method: clinical testing. Allele origin: germline.

GeneDx
Classification: Uncertain significance. Last evaluated: 2014-06-24. Review status: criteria provided, single submitter. Criteria: GeneDx Variant Classification (06012015). Collection method: clinical testing. Allele origin: germline. Affected: yes.
Comment: p.Arg783Gln (CGG>CAG): c.2348 G>A in exon 17 of the AFG3L2 gene (NM_006796.2). The R783Q variant has not been published as a mutation, nor has it been reported as a benign polymorphism to our knowledge. The R783Q variant was not observed in approximately 6500 individuals of European and African American ancestry in the NHLBI Exome Sequencing Project, indicating it is not a common benign variant in these populations. The R783Q variant is a semi-conservative amino acid substitution, which may impact secondary protein structure as these residues differ in some properties. This substitution occurs at a position that is conserved across species. In silico analysis is inconsistent in its predictions as to whether or not the variant is damaging to the protein structure/function. Therefore, based on the currently available information, it is unclear whether this variant is a pathogenic mutation or a rare benign variant. The variant is found in MITONUC-MITOP panel(s).